The following is an entry in ClinVar:

ClinVar aggregate classification (germline): Conflicting classifications of pathogenicity. Review status: criteria provided, conflicting classifications (1 of 4 stars). 14 submissions from 14 submitters: Uncertain significance (1); Benign (1); Likely benign (8). 4 of the submissions do not count toward it. Last evaluated 2026-02-02.

Conditions:
Cardiovascular phenotype. Identifiers: MedGen CN230736.
Primary familial hypertrophic cardiomyopathy (HCM). Identifiers: Orphanet 99739, MedGen C0949658, MeSH D024741, MONDO:0024573. Inheritance: Various modes of inheritance.
Dilated cardiomyopathy 1AA (CMD1AA). Also called: CARDIOMYOPATHY, DILATED, 1AA, WITH OR WITHOUT LEFT VENTRICULAR NONCOMPACTION; CARDIOMYOPATHY, FAMILIAL HYPERTROPHIC, 23, WITH OR WITHOUT LEFT VENTRICULAR NONCOMPACTION; Cardiomyopathy, dilated, 1AA, with or without LVNC. Identifiers: Orphanet 154, MedGen C2677338, MONDO:0012808, OMIM 612158.

Allele frequency attached by ClinVar (database versions not stated): 1000 Genomes Project 30x 0.00016; 1000 Genomes Project 0.00020; TOPMed 0.00030; ExAC 0.00031; ESP Exome Variant Server 0.00031; gnomAD 0.00032; gnomAD exomes 0.00032.
gnomAD v4.1: 290 of 1,614,136 alleles (0.018%); highest among the groups gnomAD compares: African/African-American, 0.044%; no homozygotes.

Submissions (14):

Labcorp Genetics (formerly Invitae), Labcorp
Classification: Likely benign for Primary familial hypertrophic cardiomyopathy; Dilated cardiomyopathy 1AA. Last evaluated: 2026-02-02. Review status: criteria provided, single submitter. Criteria: Invitae Variant Classification Sherloc (09022015). Collection method: clinical testing. Allele origin: germline.

Mayo Clinic Laboratories, Mayo Clinic
Classification: Likely benign. Last evaluated: 2025-10-20. Review status: criteria provided, single submitter. Criteria: ACMG Guidelines, 2015. Collection method: clinical testing. Allele origin: germline. Observed: 3 variant alleles.
Comment: BS1, BP4, BP7

Molecular Diagnostic Laboratory for Inherited Cardiovascular Disease, Montreal Heart Institute
Classification: Likely benign. Last evaluated: 2025-04-09. Review status: criteria provided, single submitter. Criteria: ACMG Guidelines, 2015. Collection method: clinical testing. Allele origin: germline. Affected: no.

Blueprint Genetics
Classification: Likely benign. Last evaluated: 2024-09-24. Review status: criteria provided, single submitter. Criteria: ACMG Guidelines, 2015. Collection method: clinical testing. Allele origin: germline.

CeGaT Center for Human Genetics Tuebingen
Classification: Likely benign. Last evaluated: 2023-07-01. Review status: criteria provided, single submitter. Criteria: CeGaT Center For Human Genetics Tuebingen Variant Classification Criteria Version 2. Collection method: clinical testing. Allele origin: germline. Affected: yes. Observed: 1 variant allele.
Comment: ACTN2: BP4, BP7

Women's Health and Genetics/Laboratory Corporation of America, LabCorp
Classification: Benign. Last evaluated: 2023-05-22. Review status: criteria provided, single submitter. Criteria: LabCorp Variant Classification Summary - May 2015. Collection method: clinical testing. Allele origin: germline.

GeneDx
Classification: Likely benign. Last evaluated: 2021-01-16. Review status: criteria provided, single submitter. Criteria: GeneDx Variant Classification Process June 2021. Collection method: clinical testing. Allele origin: germline. Affected: yes.

Illumina Laboratory Services, Illumina
Classification: Uncertain significance for Dilated cardiomyopathy 1AA. Last evaluated: 2018-01-13. Review status: criteria provided, single submitter. Criteria: ICSL Variant Classification Criteria 13 December 2019. Collection method: clinical testing. Allele origin: germline.

Ambry Genetics
Classification: Likely benign for Cardiovascular phenotype. Last evaluated: 2017-10-10. Review status: criteria provided, single submitter. Criteria: Ambry Variant Classification Scheme 2023. Collection method: clinical testing. Allele origin: germline.

Laboratory for Molecular Medicine, Mass General Brigham Personalized Medicine
Classification: Likely benign. Last evaluated: 2016-08-18. Review status: criteria provided, single submitter. Criteria: LMM Criteria. Collection method: clinical testing. Allele origin: germline. Observed: 1 variant allele.
Comment: p.Pro867Pro in exon 21 of ACTN2: This variant is not expected to have clinical s ignificance because it does not alter an amino acid residue and is not located w ithin the splice consensus sequence. It has been identified in 0.03% (21/66548) of European chromosomes by the Exome Aggregation Consortium (ExAC; dbSNP rs147245615).

Clinical Genetics, Academic Medical Center
Classification: Benign. Review status: no assertion criteria provided. Collection method: clinical testing. Allele origin: germline. Affected: yes. Study: VKGL Data-share Consensus. Not counted in ClinVar's aggregate classification.

Diagnostic Laboratory, Department of Genetics, University Medical Center Groningen
Classification: Likely benign for Dilated cardiomyopathy 1AA. Review status: no assertion criteria provided. Collection method: clinical testing. Allele origin: germline. Affected: yes. Study: VKGL Data-share Consensus. Not counted in ClinVar's aggregate classification.

Genome Diagnostics Laboratory, University Medical Center Utrecht
Classification: Likely benign. Review status: no assertion criteria provided. Collection method: clinical testing. Allele origin: germline. Affected: yes. Study: VKGL Data-share Consensus. Not counted in ClinVar's aggregate classification.

Joint Genome Diagnostic Labs from Nijmegen and Maastricht, Radboudumc and MUMC+
Classification: Likely benign. Review status: no assertion criteria provided. Collection method: clinical testing. Allele origin: germline. Affected: yes. Study: VKGL Data-share Consensus. Not counted in ClinVar's aggregate classification.

NM_001103.4(ACTN2):c.2601C>T (p.Pro867=)

Gene: ACTN2 (actinin alpha 2; plus strand). Cytogenetic location: 1q43.
Variant type: single nucleotide variant.
Coding change: c.2601C>T on transcript NM_001103.4 (MANE Select); coding-DNA position 2601, C replaced by T.
Protein change: p.Pro867=; no amino-acid change (proline 867 retained).
Molecular consequence: synonymous variant.
Genome position (GRCh38, 1-based): chr1:236,762,535, C>T. VCF-style: chr1-236762535-C-T. GRCh37 (hg19) VCF-style: chr1-236925835-C-T.
Other names: p.Pro867=; c.2601C>T, p.Pro867= (NM_001278343.2); c.1977C>T, p.Pro659= (NM_001278344.2).
Identifiers: ClinVar variation 296510 (VCV000296510.67), dbSNP rs147245615, ClinGen allele CA1473500.